The following is an entry in ClinVar:

NM_000179.3(MSH6):c.4074G>A (p.Lys1358=)

Gene: MSH6 (mutS homolog 6; plus strand). Cytogenetic location: 2p16.3.
Variant type: single nucleotide variant.
Coding change: c.4074G>A on transcript NM_000179.3 (MANE Select); coding-DNA position 4074, G replaced by A.
Protein change: p.Lys1358=; no amino-acid change (lysine 1358 retained).
Molecular consequence: synonymous variant.
Genome position (GRCh38, 1-based): chr2:47,806,851, G>A. VCF-style: chr2-47806851-G-A. GRCh37 (hg19) VCF-style: chr2-48033990-G-A.
Other names: c.3684G>A, p.Lys1228= (NM_001281492.2); c.3168G>A, p.Lys1056= (NM_001281493.2, NM_001281494.2).
Identifiers: ClinVar variation 386592 (VCV000386592.19), dbSNP rs759392159, ClinGen allele CA16604315.

ClinVar aggregate classification (germline): Benign/Likely benign. Review status: criteria provided, multiple submitters, no conflicts (2 of 4 stars). 6 submissions from 6 submitters: Benign (1); Likely benign (5). Last evaluated 2025-04-23.

Conditions:
Hereditary cancer-predisposing syndrome. Also called: Hereditary Cancer Syndrome; Hereditary neoplastic syndrome; Neoplastic Syndromes, Hereditary; Tumor predisposition. Identifiers: Orphanet 140162, MedGen C0027672, MeSH D009386, MONDO:0015356.
Hereditary nonpolyposis colorectal neoplasms. Identifiers: MedGen C0009405, MeSH D003123.
Lynch syndrome 5 (LYNCH5). Also called: Hereditary non-polyposis colorectal cancer, type 5; Colorectal cancer, hereditary nonpolyposis, type 5. Identifiers: Orphanet 144, MedGen C1833477, MONDO:0013710, OMIM 614350. Disease mechanism: loss of function.

Submissions (6):

Labcorp Genetics (formerly Invitae), Labcorp
Classification: Likely benign for Hereditary nonpolyposis colorectal neoplasms. Last evaluated: 2025-04-23. Review status: criteria provided, single submitter. Criteria: Invitae Variant Classification Sherloc (09022015). Collection method: clinical testing. Allele origin: germline.

Myriad Genetics, Inc.
Classification: Benign for Lynch syndrome 5. Last evaluated: 2025-01-09. Review status: criteria provided, single submitter. Criteria: Myriad Autosomal Dominant, Autosomal Recessive and X-Linked Classification Criteria (2023). Collection method: clinical testing. Allele origin: unknown.
Comment: This variant is considered benign. This variant is a silent/synonymous amino acid change and it is not expected to impact splicing.

Women's Health and Genetics/Laboratory Corporation of America, LabCorp
Classification: Likely benign. Last evaluated: 2021-04-03. Review status: criteria provided, single submitter. Criteria: LabCorp Variant Classification Summary - May 2015. Collection method: clinical testing. Allele origin: germline.

Color Diagnostics, LLC DBA Color Health
Classification: Likely benign for Hereditary cancer-predisposing syndrome. Last evaluated: 2021-02-13. Review status: criteria provided, single submitter. Criteria: ACMG Guidelines, 2015. Collection method: clinical testing. Allele origin: germline.

Ambry Genetics
Classification: Likely benign for Hereditary cancer-predisposing syndrome. Last evaluated: 2017-02-09. Review status: criteria provided, single submitter. Criteria: Ambry Variant Classification Scheme 2023. Collection method: clinical testing. Allele origin: germline.

GeneDx
Classification: Likely benign. Last evaluated: 2016-05-26. Review status: criteria provided, single submitter. Criteria: GeneDx Variant Classification (06012015). Collection method: clinical testing. Allele origin: germline. Affected: yes.
Comment: This variant is considered likely benign or benign based on one or more of the following criteria: it is a conservative change, it occurs at a poorly conserved position in the protein, it is predicted to be benign by multiple in silico algorithms, and/or has population frequency not consistent with disease.